The following is an entry in ClinVar:

ClinVar aggregate classification (germline): Uncertain significance. Review status: criteria provided, multiple submitters, no conflicts (2 of 4 stars). 2 submissions from 2 submitters: Uncertain significance (2). Last evaluated 2023-08-10.

Conditions:
Inborn genetic diseases. Identifiers: MedGen C0950123, MeSH D030342.
Epidermodysplasia verruciformis. Identifiers: Orphanet 302, MedGen C0014522, MONDO:0009176.

Allele frequency attached by ClinVar (database versions not stated): gnomAD exomes below 0.00001; TOPMed below 0.00001.

Submissions (2):

Labcorp Genetics (formerly Invitae), Labcorp
Classification: Uncertain significance for Epidermodysplasia verruciformis. Last evaluated: 2023-08-10. Review status: criteria provided, single submitter. Criteria: Invitae Variant Classification Sherloc (09022015). Collection method: clinical testing. Allele origin: germline.
Comment: The frequency data for this variant in the population databases is considered unreliable, as metrics indicate poor data quality at this position in the gnomAD database. This sequence change replaces valine, which is neutral and non-polar, with leucine, which is neutral and non-polar, at codon 433 of the TMC6 protein (p.Val433Leu). This variant has not been reported in the literature in individuals affected with TMC6-related conditions. ClinVar contains an entry for this variant (Variation ID: 1037123). Algorithms developed to predict the effect of missense changes on protein structure and function output the following: SIFT: "Not Available"; PolyPhen-2: "Benign"; Align-GVGD: "Not Available". The leucine amino acid residue is found in multiple mammalian species, which suggests that this missense change does not adversely affect protein function. In summary, the available evidence is currently insufficient to determine the role of this variant in disease. Therefore, it has been classified as a Variant of Uncertain Significance.

Ambry Genetics
Classification: Uncertain significance for Inborn genetic diseases. Last evaluated: 2021-06-21. Review status: criteria provided, single submitter. Criteria: Ambry Variant Classification Scheme 2023. Collection method: clinical testing. Allele origin: germline.

NM_001127198.5(TMC6):c.1297G>T (p.Val433Leu)

Gene: TMC6 (transmembrane channel like 6; minus strand). Cytogenetic location: 17q25.3.
Variant type: single nucleotide variant.
Coding change: c.1297G>T on transcript NM_001127198.5 (MANE Select); coding-DNA position 1297, G replaced by T.
Protein change: p.Val433Leu; replaces valine 433 with leucine.
Molecular consequence: missense variant.
Genome position (GRCh38, 1-based): chr17:78,121,642, C>A on the plus strand (G>T on the coding strand, the complement: TMC6 is on the minus strand). VCF-style: chr17-78121642-C-A. GRCh37 (hg19) VCF-style: chr17-76117723-C-A.
Other names: c.1297G>T, p.Val433Leu (NM_001321185.1, NM_001374593.1, NM_001374594.1 and 4 more transcripts); c.1297G>T (NM_007267.6); short protein forms V433L.
Identifiers: ClinVar variation 1037123 (VCV001037123.6), dbSNP rs1313115253, ClinGen allele CA401229935.